The following is an entry in ClinVar:

NM_000038.6(APC):c.7808A>G (p.Glu2603Gly)

Gene: APC (APC regulator of Wnt signaling pathway; plus strand). Cytogenetic location: 5q22.2.
Variant type: single nucleotide variant.
Coding change: c.7808A>G on transcript NM_000038.6 (MANE Select); coding-DNA position 7808, A replaced by G.
Protein change: p.Glu2603Gly; replaces glutamic acid 2603 with glycine.
Molecular consequence: missense variant.
Genome position (GRCh38, 1-based): chr5:112,843,402, A>G. VCF-style: chr5-112843402-A-G. GRCh37 (hg19) VCF-style: chr5-112179099-A-G.
Other names: p.E2603G:GAA>GGA; c.7808A>G, p.Glu2603Gly (NM_001127510.3, NM_001354895.2); c.7754A>G, p.Glu2585Gly (NM_001127511.3); c.7862A>G, p.Glu2621Gly (NM_001354896.2); c.7838A>G, p.Glu2613Gly (NM_001354897.2); c.7733A>G, p.Glu2578Gly (NM_001354898.2); c.7724A>G, p.Glu2575Gly (NM_001354899.2); c.7685A>G, p.Glu2562Gly (NM_001354900.2); and 6 more; short protein forms E2603G, E2585G, E2443G, E2562G, E2575G, E2512G, E2320G, E2477G.
Identifiers: ClinVar variation 127321 (VCV000127321.23), dbSNP rs587779807, ClinGen allele CA014080.

ClinVar aggregate classification (germline): Uncertain significance. Review status: criteria provided, multiple submitters, no conflicts (2 of 4 stars). 8 submissions from 8 submitters: Uncertain significance (7). 1 of the submissions does not count toward it. Last evaluated 2025-12-09.

Conditions:
Hepatocellular carcinoma (HCC). Also called: LIVER CELL CARCINOMA; Primary carcinoma of liver; HEPATOMA. Identifiers: Orphanet 88673, MedGen C2239176, MONDO:0007256, OMIM 114550, HP:0001402.
Gastric cancer. Also called: Stomach cancer; Malignant tumor of stomach. Identifiers: MedGen C0024623, MeSH D013274, MONDO:0001056, OMIM 613659, HP:0012126.
Colorectal cancer. Also called: Colorectal cancer, somatic; Malignant Colorectal Neoplasm. Identifiers: MedGen C0346629, MONDO:0005575, OMIM 114500.
Desmoid disease, hereditary (DESMD). Also called: FIBROMATOSIS, FAMILIAL INFILTRATIVE. Identifiers: Orphanet 873, MedGen C1851124, OMIM 135290. Disease mechanism: loss of function.
Gastric adenocarcinoma and proximal polyposis of the stomach (GAPPS). Also called: Gastric Adenocarcinoma and Proximal Polyposis of the Stomach (GAPPS); Polyposis, gastric, Dos Santos and de Magalhaes 1980; POLYPOSIS, GASTRIC. Identifiers: Orphanet 314022, MedGen C4749917, MONDO:0017790, OMIM 619182.
Familial adenomatous polyposis 1 (FAP1). Also called: FAMILIAL ADENOMATOUS POLYPOSIS 1, ATTENUATED; POLYPOSIS, ADENOMATOUS INTESTINAL. Identifiers: MedGen C2713442, MONDO:0021056, OMIM 175100. Disease mechanism: loss of function.
Hereditary cancer-predisposing syndrome. Also called: Tumor predisposition; Hereditary neoplastic syndrome; Hereditary Cancer Syndrome; Neoplastic Syndromes, Hereditary. Identifiers: Orphanet 140162, MedGen C0027672, MeSH D009386, MONDO:0015356.

Allele frequency attached by ClinVar (database versions not stated): gnomAD exomes below 0.00001; TOPMed 0.00002; gnomAD 0.00003.
gnomAD v4.1: 9 of 1,613,204 alleles (0.00056%); highest among the groups gnomAD compares: African/African-American, 0.0027%; no homozygotes.

Submissions (8):

Ambry Genetics
Classification: Uncertain significance for Hereditary cancer-predisposing syndrome. Last evaluated: 2025-12-09. Review status: criteria provided, single submitter. Criteria: Ambry Variant Classification Scheme 2023. Collection method: clinical testing. Allele origin: germline.
Comment: The p.E2603G variant (also known as c.7808A>G), located in coding exon 15 of the APC gene, results from an A to G substitution at nucleotide position 7808. The glutamic acid at codon 2603 is replaced by glycine, an amino acid with similar properties. This amino acid position is well conserved in available vertebrate species. In addition, in silico predictors for this gene do not accurately predict pathogenicity. Since supporting evidence is limited at this time, the clinical significance of this alteration remains unclear.

Labcorp Genetics (formerly Invitae), Labcorp
Classification: Uncertain significance for Familial adenomatous polyposis 1. Last evaluated: 2025-08-17. Review status: criteria provided, single submitter. Criteria: Invitae Variant Classification Sherloc (09022015). Collection method: clinical testing. Allele origin: germline.
Comment: This sequence change replaces glutamic acid, which is acidic and polar, with glycine, which is neutral and non-polar, at codon 2603 of the APC protein (p.Glu2603Gly). This variant is present in population databases (rs587779807, gnomAD 0.0009%). This missense change has been observed in individual(s) with Lynch syndrome (PMID: 25980754). ClinVar contains an entry for this variant (Variation ID: 127321). Invitae Evidence Modeling of protein sequence and biophysical properties (such as structural, functional, and spatial information, amino acid conservation, physicochemical variation, residue mobility, and thermodynamic stability) indicates that this missense variant is not expected to disrupt APC protein function with a negative predictive value of 95%. In summary, the available evidence is currently insufficient to determine the role of this variant in disease. Therefore, it has been classified as a Variant of Uncertain Significance.

Color Diagnostics, LLC DBA Color Health
Classification: Uncertain significance for Hereditary cancer-predisposing syndrome. Last evaluated: 2025-06-30. Review status: criteria provided, single submitter. Criteria: ACMG Guidelines, 2015. Collection method: clinical testing. Allele origin: germline.
Comment: This missense variant replaces glutamic acid with glycine at codon 2603 of the APC protein. Computational prediction suggests that this variant may not impact protein structure and function. To our knowledge, functional studies have not been reported for this variant. This variant has been reported in an individual affected with Lynch syndrome (PMID: 25980754). This variant has been identified in 1/250266 chromosomes in the general population by the Genome Aggregation Database (gnomAD). The available evidence is insufficient to determine the role of this variant in disease conclusively. Therefore, this variant is classified as a Variant of Uncertain Significance.

GeneDx
Classification: Uncertain significance. Last evaluated: 2025-06-20. Review status: criteria provided, single submitter. Criteria: GeneDx Variant Classification Process June 2021. Collection method: clinical testing. Allele origin: germline. Affected: yes.
Comment: Not observed at significant frequency in large population cohorts (gnomAD); In silico analysis suggests that this missense variant does not alter protein structure/function; Observed in an individual undergoing multi-gene cancer panel testing due to a personal history of a Lynch syndrome-related cancer and/or polyps ( (PMID: 25980754); This variant is associated with the following publications: (PMID: 25980754, 18199528)

Women's Health and Genetics/Laboratory Corporation of America, LabCorp
Classification: Uncertain significance. Last evaluated: 2025-01-16. Review status: criteria provided, single submitter. Criteria: LabCorp Variant Classification Summary - May 2015. Collection method: clinical testing. Allele origin: germline.
Comment: Variant summary: APC c.7808A>G (p.Glu2603Gly) results in a non-conservative amino acid change in the encoded protein sequence. Four of five in-silico tools predict a damaging effect of the variant on protein function. The variant allele was found at a frequency of 4e-06 in 250266 control chromosomes. The available data on variant occurrences in the general population are insufficient to allow any conclusion about variant significance. c.7808A>G has been reported in the literature in at-least one individual undergoing multigene hereditary cancer panel g for Lynch syndrome testing (example: Yurgelun_2015). These report(s) do not provide unequivocal conclusions about association of the variant with Familial Adenomatous Polyposis. To our knowledge, no experimental evidence demonstrating an impact on protein function has been reported. The following publication has been ascertained in the context of this evaluation (PMID: 25980754). ClinVar contains an entry for this variant (Variation ID: 127321). Based on the evidence outlined above, the variant was classified as uncertain significance.

Myriad Genetics, Inc.
Classification: Uncertain significance for Familial adenomatous polyposis 1. Last evaluated: 2023-02-22. Review status: criteria provided, single submitter. Criteria: Myriad Autosomal Dominant, Autosomal Recessive and X-Linked Classification Criteria (2023). Collection method: clinical testing. Allele origin: unknown.
Comment: This variant is classified as a variant of uncertain significance as there is insufficient evidence to determine its impact on protein function and/or cancer risk.

Fulgent Genetics
Classification: Uncertain significance for Colorectal cancer; Hepatocellular carcinoma; Desmoid disease, hereditary; Familial adenomatous polyposis 1; Gastric cancer; Gastric adenocarcinoma and proximal polyposis of the stomach. Last evaluated: 2022-03-27. Review status: criteria provided, single submitter. Criteria: ACMG Guidelines, 2015. Collection method: clinical testing. Allele origin: unknown.

Counsyl
Classification: Uncertain significance for Familial adenomatous polyposis 1. Last evaluated: 2018-05-18. Review status: no assertion criteria provided. Collection method: clinical testing. Allele origin: unknown. Not counted in ClinVar's aggregate classification.

Literature cited by the submitters: PubMed 25980754 (cited by 5 submitters).